The following is an entry in ClinVar:

ClinVar aggregate classification (germline): Uncertain significance (1 of 4 stars; one submission).

Conditions:
Long QT syndrome (LQTS). Identifiers: MedGen C0023976, MeSH D008133, MONDO:0002442. Disease mechanism: loss of function. Inheritance: Various modes of inheritance.

Submission:

Labcorp Genetics (formerly Invitae), Labcorp
Classification: Uncertain significance for Long QT syndrome. Last evaluated: 2021-11-05. Review status: criteria provided, single submitter. Criteria: Invitae Variant Classification Sherloc (09022015). Collection method: clinical testing. Allele origin: germline.
Comment: In summary, the available evidence is currently insufficient to determine the role of this variant in disease. Therefore, it has been classified as a Variant of Uncertain Significance. Algorithms developed to predict the effect of missense changes on protein structure and function (SIFT, PolyPhen-2, Align-GVGD) all suggest that this variant is likely to be tolerated. This variant has not been reported in the literature in individuals affected with CACNA1C-related conditions. This variant is not present in population databases (gnomAD no frequency). This sequence change replaces alanine, which is neutral and non-polar, with serine, which is neutral and polar, at codon 542 of the CACNA1C protein (p.Ala542Ser).

NM_000719.7(CACNA1C):c.1624G>T (p.Ala542Ser)

Gene: CACNA1C (calcium voltage-gated channel subunit alpha1 C; plus strand). Cytogenetic location: 12p13.33.
Variant type: single nucleotide variant.
Coding change: c.1624G>T on transcript NM_000719.7 (MANE Select); coding-DNA position 1624, G replaced by T.
Protein change: p.Ala542Ser; replaces alanine 542 with serine.
Molecular consequence: missense variant.
Genome position (GRCh38, 1-based): chr12:2,566,537, G>T. VCF-style: chr12-2566537-G-T. GRCh37 (hg19) VCF-style: chr12-2675703-G-T.
Other names: c.1624G>T, p.Ala542Ser (NM_001129827.2, NM_001129829.2, NM_001129830.3 and 18 more transcripts); c.1615G>T, p.Ala539Ser (NM_001129844.2); short protein forms A539S, A542S.
Identifiers: ClinVar variation 1491995 (VCV001491995.6), dbSNP rs2154593339, ClinGen allele CA383368633.
Genomic context (GRCh38, chr12:2,566,537, plus strand): 5'-AAGTCTAATGTCTTCTACTGGCTGGTGATTTTCCTGGTGTTCCTCAACACGCTCACCATT[G>T]CCTCTGAGCACTACAACCAGCCCAACTGGCTCACAGAAGTCCAAGGTGAGCGGCGGCCCC-3'
Protein context (NP_000710.5, residues 532-552): FLVFLNTLTI[Ala542Ser]SEHYNQPNWL